The following is an entry in ClinVar:

NM_006516.4(SLC2A1):c.1279-10T>C

Gene: SLC2A1 (solute carrier family 2 member 1; minus strand). Cytogenetic location: 1p34.2.
Variant type: single nucleotide variant.
Coding change: c.1279-10T>C on transcript NM_006516.4 (MANE Select); 10 bases into the intron before coding-DNA position 1279, T replaced by C.
Molecular consequence: intron variant.
Genome position (GRCh38, 1-based): chr1:42,927,251, A>G on the plus strand (T>C on the coding strand, the complement: SLC2A1 is on the minus strand). VCF-style: chr1-42927251-A-G. GRCh37 (hg19) VCF-style: chr1-43392922-A-G.
Identifiers: ClinVar variation 1565394 (VCV001565394.9), dbSNP rs2124445720, ClinGen allele CA2573132283.

ClinVar aggregate classification (germline): Conflicting classifications of pathogenicity. Review status: criteria provided, conflicting classifications (1 of 4 stars). 2 submissions from 2 submitters: Uncertain significance (1); Likely benign (1). Last evaluated 2025-09-11.

Conditions:
GLUT1 deficiency syndrome 1, autosomal recessive. Identifiers: MedGen C3149117.

Submissions (2):

GeneDx
Classification: Uncertain significance. Last evaluated: 2025-09-11. Review status: criteria provided, single submitter. Criteria: GeneDx Variant Classification Process June 2021. Collection method: clinical testing. Allele origin: germline. Affected: yes.
Comment: Not observed at significant frequency in large population cohorts (gnomAD); In silico analysis suggests that this variant does not alter splicing; Has not been previously published as pathogenic or benign to our knowledge

Labcorp Genetics (formerly Invitae), Labcorp
Classification: Likely benign for GLUT1 deficiency syndrome 1, autosomal recessive. Last evaluated: 2025-01-06. Review status: criteria provided, single submitter. Criteria: Invitae Variant Classification Sherloc (09022015). Collection method: clinical testing. Allele origin: germline.